The following is an entry in ClinVar:

ClinVar aggregate classification (germline): Likely benign (1 of 4 stars; one submission).

Allele frequency attached by ClinVar (database versions not stated): TOPMed 0.00308; ESP Exome Variant Server 0.00323; ExAC 0.00338; 1000 Genomes Project 0.00120; 1000 Genomes Project 30x 0.00125; gnomAD 0.00298.
gnomAD v4.1: 5,993 of 1,614,022 alleles (0.37%); highest among the groups gnomAD compares: Middle Eastern, 0.48%; 17 homozygotes.

Submission:

CeGaT Center for Human Genetics Tuebingen
Classification: Likely benign. Last evaluated: 2024-07-01. Review status: criteria provided, single submitter. Criteria: CeGaT Center For Human Genetics Tuebingen Variant Classification Criteria Version 2. Collection method: clinical testing. Allele origin: germline. Affected: yes. Observed: 3 variant alleles.
Comment: KIFC2: BP4, BP7, BS2

NM_001369769.2(KIFC2):c.1237C>T (p.Leu413=)

Gene: KIFC2 (kinesin family member C2; plus strand). Cytogenetic location: 8q24.3.
Variant type: single nucleotide variant.
Coding change: c.1237C>T on transcript NM_001369769.2 (MANE Select); coding-DNA position 1237, C replaced by T.
Protein change: p.Leu413=; no amino-acid change (leucine 413 retained).
Molecular consequence: synonymous variant.
Genome position (GRCh38, 1-based): chr8:144,469,504, C>T. VCF-style: chr8-144469504-C-T. GRCh37 (hg19) VCF-style: chr8-145694887-C-T.
Other names: c.1237C>T, p.Leu413= (NM_145754.5).
Identifiers: ClinVar variation 2658988 (VCV002658988.24), dbSNP rs143033479, ClinGen allele CA4944871.